The following is an entry in ClinVar:

NM_198859.4(PRICKLE2):c.2036_2049dup (p.Pro684fs)

Genes: PRICKLE2 (prickle planar cell polarity protein 2; minus strand), PRICKLE2-AS1 (PRICKLE2 antisense RNA 1; plus strand). Cytogenetic location: 3p14.1.
Variant type: Duplication.
Coding change: c.2036_2049dup on transcript NM_198859.4 (MANE Select); coding-DNA positions 2036 to 2049, 14 bases duplicated (ACCGCCGTTTCCGA).
Protein change: p.Pro684fs; shifts the reading frame from proline 684.
Molecular consequence: frameshift variant. On other transcripts: non-coding transcript variant (1).
Genome position (GRCh38, 1-based): chr3:64,099,537-64,099,550, TCGGAAACGGCGGT duplicated on the plus strand (ACCGCCGTTTCCGA on the coding strand, the reverse complement: PRICKLE2 is on the minus strand); duplicating any 14 consecutive bases within chr3:64,099,537-64,099,551 gives the same sequence; the c. name uses the placement nearest the transcript's 3' end. VCF-style (leftmost placement, unchanged base first): chr3-64099536-G-GTCGGAAACGGCGGT. GRCh37 (hg19) VCF-style: chr3-64085212-G-GTCGGAAACGGCGGT.
Other names: c.2036_2049dup, p.Pro684fs (NM_001370528.1); short protein forms P684fs.
Identifiers: ClinVar variation 3236647 (VCV003236647.1), dbSNP rs2471101324, ClinGen allele CA2825001275.
Genomic context (GRCh38, chr3:64,099,536, plus strand): 5'-CGCTGGCCAGGTGGAGGGCGTTGTCGGAGCGAGAGCGTCGGGAACGCCTGGACCTGTGAG[G>GTCGGAAACGGCGGT]TCGGAAACGGCGGTTGTCGTCGCGTGAAGTAGCTCTTCTCCGGGTGCGTTCACTCATGGG-3'

ClinVar aggregate classification (germline): Uncertain significance (1 of 4 stars; one submission).

Submission:

Clinical Genomics Laboratory, Washington University in St. Louis
Classification: Uncertain significance. Last evaluated: 2024-02-05. Review status: criteria provided, single submitter. Criteria: ACMG Guidelines, 2015. Collection method: clinical testing. Allele origin: germline.
Comment: The PRICKLE2 c.2036_2049dup (p.Pro684Thrfs*33) variant, to our knowledge, has not been reported in the medical literature and is absent from the general population (gnomAD v.2.1.1), indicating it is not a common variant. This variant causes a frameshift by inserting 14 nucleotides, leading to a premature termination codon; however, because this occurs in the last exon, this is not predicted to lead to nonsense mediated decay. Due to limited information, the clinical significance of this variant is uncertain.